The following is an entry in ClinVar:

ClinVar aggregate classification (germline): Uncertain significance. Review status: criteria provided, multiple submitters, no conflicts (2 of 4 stars). 2 submissions from 2 submitters: Uncertain significance (2). Last evaluated 2025-10-09.

gnomAD v4.1: 8 of 1,613,978 alleles (0.0005%); highest among the groups gnomAD compares: Non-Finnish European, 0.00068%; no homozygotes.

Submissions (2):

Labcorp Genetics (formerly Invitae), Labcorp
Classification: Uncertain significance. Last evaluated: 2025-10-09. Review status: criteria provided, single submitter. Criteria: Invitae Variant Classification Sherloc (09022015). Collection method: clinical testing. Allele origin: germline.
Comment: This sequence change replaces arginine, which is basic and polar, with leucine, which is neutral and non-polar, at codon 600 of the LRRC8A protein (p.Arg600Leu). This variant is present in population databases (no rsID available, gnomAD 0.0009%). This variant has not been reported in the literature in individuals affected with LRRC8A-related conditions. ClinVar contains an entry for this variant (Variation ID: 3617730). An algorithm developed to predict the effect of missense changes on protein structure and function (PolyPhen-2) suggests that this variant is likely to be tolerated. In summary, the available evidence is currently insufficient to determine the role of this variant in disease. Therefore, it has been classified as a Variant of Uncertain Significance.

Ambry Genetics
Classification: Uncertain significance. Last evaluated: 2025-08-21. Review status: criteria provided, single submitter. Criteria: Ambry Variant Classification Scheme 2023. Collection method: clinical testing. Allele origin: germline.

NM_019594.4(LRRC8A):c.1799G>T (p.Arg600Leu)

Gene: LRRC8A (leucine rich repeat containing 8 VRAC subunit A; plus strand). Cytogenetic location: 9q34.11.
Variant type: single nucleotide variant.
Coding change: c.1799G>T on transcript NM_019594.4 (MANE Select); coding-DNA position 1799, G replaced by T.
Protein change: p.Arg600Leu; replaces arginine 600 with leucine.
Molecular consequence: missense variant.
Genome position (GRCh38, 1-based): chr9:128,908,963, G>T. VCF-style: chr9-128908963-G-T. GRCh37 (hg19) VCF-style: chr9-131671242-G-T.
Other names: c.1799G>T (NM_001127244.1); c.1799G>T, p.Arg600Leu (NM_001127244.2, NM_001127245.2); short protein forms R600L.
Identifiers: ClinVar variation 3617730 (VCV003617730.3).